The following is an entry in ClinVar:

ClinVar aggregate classification (germline): Likely benign (1 of 4 stars; one submission).

Allele frequency attached by ClinVar (database versions not stated): gnomAD exomes 0.00007; ESP Exome Variant Server 0.00008; ExAC 0.00002; gnomAD 0.00005.
gnomAD v4.1: 124 of 1,614,050 alleles (0.0077%); highest among the groups gnomAD compares: Non-Finnish European, 0.0092%; no homozygotes.

Submission:

CeGaT Center for Human Genetics Tuebingen
Classification: Likely benign. Last evaluated: 2023-01-01. Review status: criteria provided, single submitter. Criteria: CeGaT Center For Human Genetics Tuebingen Variant Classification Criteria Version 2. Collection method: clinical testing. Allele origin: germline. Affected: yes. Observed: 1 variant allele.
Comment: AASDH: BP4, BP7

NM_181806.4(AASDH):c.973T>C (p.Leu325=)

Gene: AASDH (aminoadipate-semialdehyde dehydrogenase; minus strand). Cytogenetic location: 4q12.
Variant type: single nucleotide variant.
Coding change: c.973T>C on transcript NM_181806.4 (MANE Select); coding-DNA position 973, T replaced by C.
Protein change: p.Leu325=; no amino-acid change (leucine 325 retained).
Molecular consequence: synonymous variant. On other transcripts: 5 prime UTR variant (2).
Genome position (GRCh38, 1-based): chr4:56,355,312, A>G on the plus strand (T>C on the coding strand, the complement: AASDH is on the minus strand). VCF-style: chr4-56355312-A-G. GRCh37 (hg19) VCF-style: chr4-57221478-A-G.
Other names: c.514T>C, p.Leu172= (NM_001323893.2, NM_001286669.2); c.-52T>C (NM_001323899.2); c.673T>C, p.Leu225= (NM_001286668.2); c.-203T>C (NM_001286670.2); c.973T>C, p.Leu325= (NM_001286671.2, NM_001286672.2, NM_001323890.2 and 1 more transcripts).
Identifiers: ClinVar variation 2654766 (VCV002654766.24), dbSNP rs376025750, ClinGen allele CA2929935.